The following is an entry in ClinVar:

NM_014946.4(SPAST):c.*1454G>C

Gene: SPAST (spastin; plus strand). Cytogenetic location: 2p22.3.
Variant type: single nucleotide variant.
Coding change: c.*1454G>C on transcript NM_014946.4 (MANE Select); 1454 bases downstream of the stop codon, G replaced by C.
Molecular consequence: 3 prime UTR variant.
Genome position (GRCh38, 1-based): chr2:32,155,950, G>C. VCF-style: chr2-32155950-G-C. GRCh37 (hg19) VCF-style: chr2-32381019-G-C.
Other names: c.*1454G>C (NM_001363823.2, NM_001363875.2, NM_199436.2); c.*1578G>C (NM_001377959.1).
Identifiers: ClinVar variation 335860 (VCV000335860.5), dbSNP rs147052682, ClinGen allele CA10613716.
Genomic context (GRCh38, chr2:32,155,950, plus strand): 5'-AAAGATTTCTTAGGTTTTGAAAGAATACATTAAAATAAAAAACTTGCCCCTACTAGGTAA[G>C]AACTTTATAATGAAGACATACATTCTTCTTAATTTTACTCTTGCTCTTGTTAAAGATTTG-3'

ClinVar aggregate classification (germline): Benign (1 of 4 stars; one submission).

Conditions:
Hereditary spastic paraplegia 4. Also called: Spastic paraplegia 4, autosomal dominant; Spastic Paraplegia 4; Familial spastic paraplegia autosomal dominant 2. Identifiers: Orphanet 100985, MedGen C1866855, MONDO:0008438, OMIM 182601.

Allele frequency attached by ClinVar (database versions not stated): TOPMed 0.00634; gnomAD 0.00749 and 0.00825; 1000 Genomes Project 30x 0.00984; gnomAD exomes 0.00990; 1000 Genomes Project 0.01038.
gnomAD v4.1: 1,253 of 151,942 alleles (0.82%); highest among the groups gnomAD compares: South Asian, 3%; 11 homozygotes.

Submission:

Illumina Laboratory Services, Illumina
Classification: Benign for Hereditary spastic paraplegia 4. Last evaluated: 2018-01-12. Review status: criteria provided, single submitter. Criteria: ICSL Variant Classification Criteria 13 December 2019. Collection method: clinical testing. Allele origin: germline.
Comment: This variant was observed in the ICSL laboratory as part of a predisposition screen in an ostensibly healthy population. It had not been previously curated by ICSL or reported in the Human Gene Mutation Database (HGMD: prior to June 1st, 2018), and was therefore a candidate for classification through an automated scoring system. Utilizing variant allele frequency, disease prevalence and penetrance estimates, and inheritance mode, an automated score was calculated to assess if this variant is too frequent to cause the disease. Based on the score and internal cut-off values, a variant classified as benign is not then subjected to further curation. The score for this variant resulted in a classification of benign for this disease.